The following is an entry in ClinVar:

NM_007098.4(CLTCL1):c.970-10G>A

Gene: CLTCL1 (clathrin heavy chain like 1; minus strand). Cytogenetic location: 22q11.21.
Variant type: single nucleotide variant.
Coding change: c.970-10G>A on transcript NM_007098.4 (MANE Select); 10 bases into the intron before coding-DNA position 970, G replaced by A.
Molecular consequence: intron variant.
Genome position (GRCh38, 1-based): chr22:19,234,716, C>T on the plus strand (G>A on the coding strand, the complement: CLTCL1 is on the minus strand). VCF-style: chr22-19234716-C-T. GRCh37 (hg19) VCF-style: chr22-19222239-C-T.
Other names: p.?; c.970-10G>A (NM_001835.4).
Identifiers: ClinVar variation 4684461 (VCV004684461.1).

ClinVar aggregate classification (germline): Likely benign (1 of 4 stars; one submission).

gnomAD v4.1: 70 of 1,612,266 alleles (0.0043%); highest among the groups gnomAD compares: Non-Finnish European, 0.0056%; no homozygotes.

Submission:

Mayo Clinic Laboratories, Mayo Clinic
Classification: Likely benign. Last evaluated: 2025-09-24. Review status: criteria provided, single submitter. Criteria: ACMG Guidelines, 2015. Collection method: clinical testing. Allele origin: germline. Observed: 1 variant allele.
Comment: BP4, BP7